The following is an entry in ClinVar:

NM_001110556.2(FLNA):c.6227-1G>A

Gene: FLNA (filamin A; minus strand). Cytogenetic location: Xq28.
Variant type: single nucleotide variant.
Coding change: c.6227-1G>A on transcript NM_001110556.2 (MANE Select); the canonical splice acceptor site of the intron before coding-DNA position 6227, G replaced by A.
Molecular consequence: splice acceptor variant.
Genome position (GRCh38, 1-based): chrX:154,352,925, C>T on the plus strand (G>A on the coding strand, the complement: FLNA is on the minus strand). VCF-style: chrX-154352925-C-T. GRCh37 (hg19) VCF-style: chrX-153581293-C-T.
Other names: c.6203-1G>A (NM_001456.4).
Identifiers: ClinVar variation 3759722 (VCV003759722.2).

ClinVar aggregate classification (germline): Pathogenic (1 of 4 stars; one submission).

Conditions:
Melnick-Needles syndrome (MNS). Also called: MELNICK-NEEDLES OSTEODYSPLASTY; OSTEODYSPLASTY OF MELNICK AND NEEDLES; Melnick-Needles Syndrome (FLNA-MNS). Identifiers: Orphanet 2484, MedGen C0025237, MONDO:0010650, OMIM 309350.
Frontometaphyseal dysplasia (FMD1). Identifiers: Orphanet 1826, MedGen C0265293, MONDO:0015942.
Heterotopia, periventricular, X-linked dominant (PVNH1). Also called: PERIVENTRICULAR NODULAR HETEROTOPIA 1; X-linked periventricular heterotopia; PERIVENTRICULAR NODULAR HETEROTOPIA 4; HETEROTOPIA, PERIVENTRICULAR, 1. Identifiers: Orphanet 2149, Orphanet 82004, MedGen C1848213, MONDO:0010233, OMIM 300049.
Oto-palato-digital syndrome, type II (OPD2). Also called: FACIOPALATOOSSEOUS SYNDROME; OPD II SYNDROME; Otopalatodigital Syndrome, Type II; Otopalatodigital Syndrome Type 2 (FLNA-OPD2). Identifiers: Orphanet 669, Orphanet 90652, MedGen C1844696, MONDO:0010571, OMIM 304120.

Submission:

Labcorp Genetics (formerly Invitae), Labcorp
Classification: Pathogenic for Oto-palato-digital syndrome, type II; Heterotopia, periventricular, X-linked dominant; Frontometaphyseal dysplasia; Melnick-Needles syndrome. Last evaluated: 2024-11-14. Review status: criteria provided, single submitter. Criteria: Invitae Variant Classification Sherloc (09022015). Collection method: clinical testing. Allele origin: germline.
Comment: This sequence change affects an acceptor splice site in intron 37 of the FLNA gene. It is expected to disrupt RNA splicing. Variants that disrupt the donor or acceptor splice site typically lead to a loss of protein function (PMID: 16199547), and loss-of-function variants in FLNA are known to be pathogenic (PMID: 16684786, 20730588, 26471271). This variant is not present in population databases (gnomAD no frequency). Disruption of this splice site has been observed in individual(s) with periventricular nodular heterotopia (internal data). Algorithms developed to predict the effect of sequence changes on RNA splicing suggest that this variant may disrupt the consensus splice site. For these reasons, this variant has been classified as Pathogenic.

Literature cited by the submitters: PubMed 16199547; PubMed 16684786; PubMed 20730588; PubMed 26471271.